The following is an entry in ClinVar:

NM_017654.4(SAMD9):c.730C>T (p.His244Tyr)

Gene: SAMD9 (sterile alpha motif domain containing 9; minus strand). Cytogenetic location: 7q21.2.
Variant type: single nucleotide variant.
Coding change: c.730C>T on transcript NM_017654.4 (MANE Select); coding-DNA position 730, C replaced by T.
Protein change: p.His244Tyr; replaces histidine 244 with tyrosine.
Molecular consequence: missense variant.
Genome position (GRCh38, 1-based): chr7:93,105,368, G>A on the plus strand (C>T on the coding strand, the complement: SAMD9 is on the minus strand). VCF-style: chr7-93105368-G-A. GRCh37 (hg19) VCF-style: chr7-92734681-G-A.
Other names: c.730C>T, p.His244Tyr (NM_001193307.2); c.730C>T (NM_017654.3); short protein forms H244Y.
Identifiers: ClinVar variation 1998353 (VCV001998353.5), dbSNP rs1453571482, ClinGen allele CA368204022.

ClinVar aggregate classification (germline): Uncertain significance. Review status: criteria provided, multiple submitters, no conflicts (2 of 4 stars). 2 submissions from 2 submitters: Uncertain significance (2). Last evaluated 2025-08-24.

Conditions:
Inborn genetic diseases. Identifiers: MedGen C0950123, MeSH D030342.

Allele frequency attached by ClinVar (database versions not stated): gnomAD exomes below 0.00001.
gnomAD v4.1: 1 of 1,613,944 alleles (0.000062%); highest among the groups gnomAD compares: Admixed American, 0.0017%; no homozygotes.

Submissions (2):

Ambry Genetics
Classification: Uncertain significance for Inborn genetic diseases. Last evaluated: 2025-08-24. Review status: criteria provided, single submitter. Criteria: Ambry Variant Classification Scheme 2023. Collection method: clinical testing. Allele origin: germline.
Comment: The p.H244Y variant (also known as c.730C>T), located in coding exon 1 of the SAMD9 gene, results from a C to T substitution at nucleotide position 730. The histidine at codon 244 is replaced by tyrosine, an amino acid with similar properties. This amino acid position is conserved. In addition, this alteration is predicted to be tolerated by in silico analysis. Based on the available evidence, the clinical significance of this variant remains unclear.

Labcorp Genetics (formerly Invitae), Labcorp
Classification: Uncertain significance. Last evaluated: 2022-05-31. Review status: criteria provided, single submitter. Criteria: Invitae Variant Classification Sherloc (09022015). Collection method: clinical testing. Allele origin: germline.
Comment: This sequence change replaces histidine, which is basic and polar, with tyrosine, which is neutral and polar, at codon 244 of the SAMD9 protein (p.His244Tyr). This variant is present in population databases (no rsID available, gnomAD 0.003%). This variant has not been reported in the literature in individuals affected with SAMD9-related conditions. Algorithms developed to predict the effect of missense changes on protein structure and function output the following: SIFT: "Deleterious"; PolyPhen-2: "Benign"; Align-GVGD: "Class C35". The tyrosine amino acid residue is found in multiple mammalian species, which suggests that this missense change does not adversely affect protein function. In summary, the available evidence is currently insufficient to determine the role of this variant in disease. Therefore, it has been classified as a Variant of Uncertain Significance.